The following is an entry in ClinVar:

NM_000322.5(PRPH2):c.582-14T>A

Gene: PRPH2 (peripherin 2; minus strand). Cytogenetic location: 6p21.1.
Variant type: single nucleotide variant.
Coding change: c.582-14T>A on transcript NM_000322.5 (MANE Select); 14 bases into the intron before coding-DNA position 582, T replaced by A.
Molecular consequence: intron variant.
Genome position (GRCh38, 1-based): chr6:42,704,625, A>T on the plus strand (T>A on the coding strand, the complement: PRPH2 is on the minus strand). VCF-style: chr6-42704625-A-T. GRCh37 (hg19) VCF-style: chr6-42672363-A-T.
Identifiers: ClinVar variation 1175287 (VCV001175287.3), dbSNP rs2152005424, ClinGen allele CA2499218281.

ClinVar aggregate classification (germline): Uncertain significance. Review status: criteria provided, single submitter (1 of 4 stars). 2 submissions from 2 submitters: Uncertain significance (1). 1 of the submissions does not count toward it. Last evaluated 2025-01-14.

Conditions:
PRPH2-related disorder. Also called: PRPH2-related disorders; PRPH2-related condition. Identifiers: MedGen CN239395.

Submissions (2):

Labcorp Genetics (formerly Invitae), Labcorp
Classification: Uncertain significance for PRPH2-related disorder. Last evaluated: 2025-01-14. Review status: criteria provided, single submitter. Criteria: Invitae Variant Classification Sherloc (09022015). Collection method: clinical testing. Allele origin: germline.
Comment: This sequence change falls in intron 1 of the PRPH2 gene. It does not directly change the encoded amino acid sequence of the PRPH2 protein. This variant is not present in population databases (gnomAD no frequency). This variant has been observed in individuals with clinical features of pattern dystrophy (PMID: 28559085; internal data). ClinVar contains an entry for this variant (Variation ID: 1175287). Algorithms developed to predict the effect of sequence changes on RNA splicing suggest that this variant may disrupt the consensus splice site. In summary, the available evidence is currently insufficient to determine the role of this variant in disease. Therefore, it has been classified as a Variant of Uncertain Significance.

Leiden Open Variation Database
Classification: Likely pathogenic. Last evaluated: 2021-02-26. Review status: no assertion criteria provided. Collection method: curation. Allele origin: germline. Affected: yes. Not counted in ClinVar's aggregate classification.
Comment: Curator: Global Variome, with Curator vacancy. Submitter to LOVD: LOVD.

Literature cited by the submitters: PubMed 28559085 (cited by Labcorp Genetics (formerly Invitae), Labcorp and Leiden Open Variation Database).